The following is an entry in ClinVar:

NM_032608.7(MYO18B):c.4139A>G (p.Lys1380Arg)

Gene: MYO18B (myosin XVIIIB; plus strand). Cytogenetic location: 22q12.1.
Variant type: single nucleotide variant.
Coding change: c.4139A>G on transcript NM_032608.7 (MANE Select); coding-DNA position 4139, A replaced by G.
Protein change: p.Lys1380Arg; replaces lysine 1380 with arginine.
Molecular consequence: missense variant.
Genome position (GRCh38, 1-based): chr22:25,876,247, A>G. VCF-style: chr22-25876247-A-G. GRCh37 (hg19) VCF-style: chr22-26272214-A-G.
Other names: c.4142A>G, p.Lys1381Arg (NM_001318245.2); short protein forms K1380R, K1381R.
Identifiers: ClinVar variation 1050275 (VCV001050275.1), dbSNP rs2146197025, ClinGen allele CA411007411.

ClinVar aggregate classification (germline): Uncertain significance (0 of 4 stars; one submission).

Submission:

Department of Pathology and Laboratory Medicine, Sinai Health System
Classification: Uncertain significance. Review status: no assertion criteria provided. Collection method: clinical testing. Allele origin: unknown. Affected: yes. Study: The Canadian Open Genetics Repository (COGR).
Comment: The MYO18B p.Lys1381Arg variant was not identified in the literature nor was it identified in dbSNP, ClinVar, or LOVD 3.0. The variant was not identified in the following control databases: the 1000 Genomes Project, the NHLBI GO Exome Sequencing Project, or the Genome Aggregation Database (March 6, 2019, v2.1.1). The p.Lys1381 residue is conserved in mammals but not in more distantly related organisms however computational analyses (PolyPhen-2, SIFT, AlignGVGD, BLOSUM, MutationTaster) do not suggest a high likelihood of impact to the protein; this information is not predictive enough to rule out pathogenicity. The variant occurs outside of the splicing consensus sequence and three of four in silico or computational prediction software programs (SpliceSiteFinder, MaxEntScan, NNSPLICE, GeneSplicer) do not predict a difference in splicing. In summary, based on the above information the clinical significance of this variant cannot be determined with certainty at this time. This variant is classified as a variant of uncertain significance.